The following is an entry in ClinVar:

NM_001378120.1(MBD5):c.328G>A (p.Ala110Thr)

Gene: MBD5 (methyl-CpG binding domain protein 5; plus strand). Cytogenetic location: 2q23.1.
Variant type: single nucleotide variant.
Coding change: c.328G>A on transcript NM_001378120.1 (MANE Select); coding-DNA position 328, G replaced by A.
Protein change: p.Ala110Thr; replaces alanine 110 with threonine.
Molecular consequence: missense variant.
Genome position (GRCh38, 1-based): chr2:148,463,850, G>A. VCF-style: chr2-148463850-G-A. GRCh37 (hg19) VCF-style: chr2-149221419-G-A.
Other names: c.328G>A, p.Ala110Thr (NM_018328.5); short protein forms A110T.
Identifiers: ClinVar variation 451107 (VCV000451107.3), dbSNP rs1265044011, ClinGen allele CA348716561.

ClinVar aggregate classification (germline): Likely benign (1 of 4 stars; one submission).

Allele frequency attached by ClinVar (database versions not stated): gnomAD exomes 0.00001.
gnomAD v4.1: 8 of 1,613,718 alleles (0.0005%); highest among the groups gnomAD compares: South Asian, 0.0066%; no homozygotes.

Submission:

GeneDx
Classification: Likely benign. Last evaluated: 2020-11-25. Review status: criteria provided, single submitter. Criteria: GeneDx Variant Classification Process June 2021. Collection method: clinical testing. Allele origin: germline. Affected: yes.
Comment: In silico analysis supports that this missense variant does not alter protein structure/function